The following is an entry in ClinVar:

NM_174878.3(CLRN1):c.692T>A (p.Met231Lys)

Gene: CLRN1 (clarin 1; minus strand). Cytogenetic location: 3q25.1.
Variant type: single nucleotide variant.
Coding change: c.692T>A on transcript NM_174878.3 (MANE Select); coding-DNA position 692, T replaced by A.
Protein change: p.Met231Lys; replaces methionine 231 with lysine.
Molecular consequence: missense variant. On other transcripts: 3 prime UTR variant (1), non-coding transcript variant (1), intron variant (1).
Genome position (GRCh38, 1-based): chr3:150,927,943, A>T on the plus strand (T>A on the coding strand, the complement: CLRN1 is on the minus strand). VCF-style: chr3-150927943-A-T. GRCh37 (hg19) VCF-style: chr3-150645730-A-T.
Other names: c.731T>A, p.Met244Lys (NM_001195794.1); c.*306T>A (NM_001256819.2); c.342+122T>A (NM_052995.2); short protein forms M231K, M244K.
Identifiers: ClinVar variation 943209 (VCV000943209.9), dbSNP rs1408233324, ClinGen allele CA354952774.

ClinVar aggregate classification (germline): Uncertain significance (1 of 4 stars; one submission).

Submission:

Labcorp Genetics (formerly Invitae), Labcorp
Classification: Uncertain significance. Last evaluated: 2019-10-15. Review status: criteria provided, single submitter. Criteria: Invitae Variant Classification Sherloc (09022015). Collection method: clinical testing. Allele origin: germline.
Comment: Algorithms developed to predict the effect of missense changes on protein structure and function (SIFT, PolyPhen-2, Align-GVGD) all suggest that this variant is likely to be disruptive, but these predictions have not been confirmed by published functional studies and their clinical significance is uncertain. In summary, the available evidence is currently insufficient to determine the role of this variant in disease. Therefore, it has been classified as a Variant of Uncertain Significance. This variant is not present in population databases (ExAC no frequency). This sequence change replaces methionine with lysine at codon 231 of the CLRN1 protein (p.Met231Lys). The methionine residue is highly conserved and there is a moderate physicochemical difference between methionine and lysine. This variant has not been reported in the literature in individuals with CLRN1-related conditions.